The following is an entry in ClinVar:

ClinVar aggregate classification (germline): Likely pathogenic (1 of 4 stars; one submission).

Conditions:
SELENBP1-related disorder. Also called: SELENBP1-related condition.

gnomAD v4.1: 72 of 1,614,016 alleles (0.0045%); highest among the groups gnomAD compares: Non-Finnish European, 0.0058%; no homozygotes.

Submission:

PreventionGenetics, part of Exact Sciences
Classification: Likely pathogenic for SELENBP1-related condition. Last evaluated: 2025-06-05. Review status: criteria provided, single submitter. Criteria: ACMG Guidelines, 2015. Collection method: clinical testing. Allele origin: germline.
Comment: The SELENBP1 c.702C>A variant is predicted to result in premature protein termination (p.Tyr234*). To our knowledge, this variant has not been reported in the literature. This variant is reported in 0.0026% of alleles in individuals of European (Non-Finnish) descent in gnomAD. Nonsense variants in SELENBP1 are expected to be pathogenic. This variant is interpreted as likely pathogenic.

NM_003944.4(SELENBP1):c.576C>A (p.Tyr192Ter)

Gene: SELENBP1 (selenium binding protein 1; minus strand). Cytogenetic location: 1q21.3.
Variant type: single nucleotide variant.
Coding change: c.576C>A on transcript NM_003944.4 (MANE Select); coding-DNA position 576, C replaced by A.
Protein change: p.Tyr192Ter; replaces tyrosine 192 with a stop codon.
Molecular consequence: nonsense.
Genome position (GRCh38, 1-based): chr1:151,366,810, G>T on the plus strand (C>A on the coding strand, the complement: SELENBP1 is on the minus strand). VCF-style: chr1-151366810-G-T. GRCh37 (hg19) VCF-style: chr1-151339286-G-T.
Other names: c.390C>A, p.Tyr130Ter (NM_001258288.2); c.702C>A, p.Tyr234Ter (NM_001258289.2); short protein forms Y192*, Y130*, Y234*.
Identifiers: ClinVar variation 4982327 (VCV004982327.1).